The following is an entry in ClinVar:

ClinVar aggregate classification (germline): Uncertain significance (1 of 4 stars; one submission).

Conditions:
Hereditary spastic paraplegia 11. Also called: SPASTIC PARAPLEGIA, AUTOSOMAL RECESSIVE, COMPLICATED, WITH THIN CORPUS CALLOSUM; SPASTIC PARAPLEGIA, AUTOSOMAL RECESSIVE, WITH MENTAL IMPAIRMENT AND THIN CORPUS CALLOSUM; Spastic Paraplegia 11; Nakamura Osame syndrome; Autosomal recessive hereditary spastic paraplegia, mental impairment, and thin corpus callosum; Spastic paraplegia, mental retardation and thin corpus callosum. Identifiers: Orphanet 2822, MedGen C1858479, MONDO:0011445, OMIM 604360.

Allele frequency attached by ClinVar (database versions not stated): gnomAD exomes below 0.00001.
gnomAD v4.1: 1 of 1,613,538 alleles (0.000062%); highest among the groups gnomAD compares: East Asian, 0.0022%; no homozygotes.

Submission:

Labcorp Genetics (formerly Invitae), Labcorp
Classification: Uncertain significance for Hereditary spastic paraplegia 11. Last evaluated: 2018-08-20. Review status: criteria provided, single submitter. Criteria: Invitae Variant Classification Sherloc (09022015). Collection method: clinical testing. Allele origin: germline.
Comment: In summary, the available evidence is currently insufficient to determine the role of this variant in disease. Therefore, it has been classified as a Variant of Uncertain Significance. Algorithms developed to predict the effect of missense changes on protein structure and function are either unavailable or do not agree on the potential impact of this missense change (SIFT: "Tolerated"; PolyPhen-2: "Possibly Damaging"; Align-GVGD: "Class C0"). This variant has not been reported in the literature in individuals with SPG11-related disease. This variant is not present in population databases (ExAC no frequency). This sequence change replaces lysine with glutamic acid at codon 1051 of the SPG11 protein (p.Lys1051Glu). The lysine residue is moderately conserved and there is a small physicochemical difference between lysine and glutamic acid.

NM_025137.4(SPG11):c.3151A>G (p.Lys1051Glu)

Gene: SPG11 (SPG11 vesicle trafficking associated, spatacsin; minus strand). Cytogenetic location: 15q21.1.
Variant type: single nucleotide variant.
Coding change: c.3151A>G on transcript NM_025137.4 (MANE Select); coding-DNA position 3151, A replaced by G.
Protein change: p.Lys1051Glu; replaces lysine 1051 with glutamic acid.
Molecular consequence: missense variant.
Genome position (GRCh38, 1-based): chr15:44,610,980, T>C on the plus strand (A>G on the coding strand, the complement: SPG11 is on the minus strand). VCF-style: chr15-44610980-T-C. GRCh37 (hg19) VCF-style: chr15-44903178-T-C.
Other names: c.3151A>G, p.Lys1051Glu (NM_001160227.2); short protein forms K1051E.
Identifiers: ClinVar variation 643525 (VCV000643525.8), dbSNP rs1595879028, ClinGen allele CA392227203.
Genomic context (GRCh38, chr15:44,610,980, plus strand): 5'-TGGCCTGATTGGTGGGAATCAAAATCTGAGCATTTGCAAGGCTAGCCTGGAAGATCAGTT[T>C]GGGATCTGGAAAATAAAAGACAGTGTTTTTCTCCTTAAGAGGGATAAATACTAAATTAAG-3'
Protein context (NP_079413.3, residues 1041-1061): RQVASNLTDP[Lys1051Glu]LIFQASLANA